The following is an entry in ClinVar:

ClinVar aggregate classification (germline): Likely benign (1 of 4 stars; one submission).

Submission:

CeGaT Center for Human Genetics Tuebingen
Classification: Likely benign. Last evaluated: 2026-07-01. Review status: criteria provided, single submitter. Criteria: CeGaT Center For Human Genetics Tuebingen Variant Classification Criteria Version 2. Collection method: clinical testing. Allele origin: germline. Affected: yes. Observed: 1 variant allele.
Comment: ARID2: BS2

NM_152641.4(ARID2):c.4443T>G (p.His1481Gln)

Gene: ARID2 (AT-rich interaction domain 2; plus strand). Cytogenetic location: 12q12.
Variant type: single nucleotide variant.
Coding change: c.4443T>G on transcript NM_152641.4 (MANE Select); coding-DNA position 4443, T replaced by G.
Protein change: p.His1481Gln; replaces histidine 1481 with glutamine.
Molecular consequence: missense variant.
Genome position (GRCh38, 1-based): chr12:45,852,566, T>G. VCF-style: chr12-45852566-T-G. GRCh37 (hg19) VCF-style: chr12-46246349-T-G.
Other names: c.4443T>G, p.His1481Gln (NM_001347839.2); short protein forms H1481Q.
Identifiers: ClinVar variation 5039939 (VCV005039939.1).